The following is an entry in ClinVar:

ClinVar aggregate classification (germline): Uncertain significance (1 of 4 stars; one submission).

Conditions:
Epilepsy, X-linked 1, with variable learning disabilities and behavior disorders. Also called: X-linked epilepsy-learning disabilities-behavior disorders syndrome. Identifiers: Orphanet 85294, MedGen C5774177, MONDO:0010339, OMIM 300491.

Submission:

Labcorp Genetics (formerly Invitae), Labcorp
Classification: Uncertain significance for Epilepsy, X-linked 1, with variable learning disabilities and behavior disorders. Last evaluated: 2023-05-22. Review status: criteria provided, single submitter. Criteria: Invitae Variant Classification Sherloc (09022015). Collection method: clinical testing. Allele origin: germline.
Comment: In summary, the available evidence is currently insufficient to determine the role of this variant in disease. Therefore, it has been classified as a Variant of Uncertain Significance. An algorithm developed to predict the effect of missense changes on protein structure and function (PolyPhen-2) suggests that this variant is likely to be tolerated. ClinVar contains an entry for this variant (Variation ID: 1350893). This variant has not been reported in the literature in individuals affected with SYN1-related conditions. This variant is not present in population databases (gnomAD no frequency). This sequence change replaces alanine, which is neutral and non-polar, with valine, which is neutral and non-polar, at codon 91 of the SYN1 protein (p.Ala91Val).

NM_006950.3(SYN1):c.272C>T (p.Ala91Val)

Gene: SYN1 (synapsin I; minus strand). Cytogenetic location: Xp11.23.
Variant type: single nucleotide variant.
Coding change: c.272C>T on transcript NM_006950.3 (MANE Select); coding-DNA position 272, C replaced by T.
Protein change: p.Ala91Val; replaces alanine 91 with valine.
Molecular consequence: missense variant.
Genome position (GRCh38, 1-based): chrX:47,619,457, G>A on the plus strand (C>T on the coding strand, the complement: SYN1 is on the minus strand). VCF-style: chrX-47619457-G-A. GRCh37 (hg19) VCF-style: chrX-47478856-G-A.
Other names: c.272C>T, p.Ala91Val (NM_133499.2); short protein forms A91V.
Identifiers: ClinVar variation 1350893 (VCV001350893.8), dbSNP rs2147933405, ClinGen allele CA412831770.
Genomic context (GRCh38, chrX:47,619,457, plus strand): 5'-GCTCCCCCGCGGCCTGCGCCCCCAGAGCCGCCGCCCACCTGCTCGCTGAAGGTGGCAGCT[G>A]CCGCCGCCGTGGTCTGCTTGACCGCGTTGGACAGCGACGAGAAGAAGCCACCGCCCCCCG-3'
Protein context (NP_008881.2, residues 81-101): SNAVKQTTAA[Ala91Val]AATFSEQVGG